The following is an entry in ClinVar:

ClinVar aggregate classification (germline): Likely benign (1 of 4 stars; one submission).

Submission:

CeGaT Center for Human Genetics Tuebingen
Classification: Likely benign. Last evaluated: 2026-04-01. Review status: criteria provided, single submitter. Criteria: CeGaT Center For Human Genetics Tuebingen Variant Classification Criteria Version 2. Collection method: clinical testing. Allele origin: germline. Affected: yes. Observed: 1 variant allele.
Comment: PLIN4: BP4, BP7

NM_001367868.2(PLIN4):c.1626T>C (p.Ala542=)

Gene: PLIN4 (perilipin 4; minus strand). Cytogenetic location: 19p13.3.
Variant type: single nucleotide variant.
Coding change: c.1626T>C on transcript NM_001367868.2 (MANE Select); coding-DNA position 1626, T replaced by C.
Protein change: p.Ala542=; no amino-acid change (alanine 542 retained).
Molecular consequence: synonymous variant.
Genome position (GRCh38, 1-based): chr19:4,512,334, A>G on the plus strand (T>C on the coding strand, the complement: PLIN4 is on the minus strand). VCF-style: chr19-4512334-A-G. GRCh37 (hg19) VCF-style: chr19-4512346-A-G.
Other names: c.1629T>C, p.Ala543= (NM_001393888.1, NM_001393889.1); c.1626T>C, p.Ala542= (NM_001393890.1, NM_001393891.1).
Identifiers: ClinVar variation 4872731 (VCV004872731.2).
Genomic context (GRCh38, chr19:4,512,334, plus strand): 5'-TATGACCACAGACTTGGTGGTGTCCAGGCCCCCCTGGACGGCCCCTTTGGCCACGTTCAC[A>G]GCACTGGTCACCCCACTGCAGACGGTGTCCTTGGTGCCGGTTAGGACAGTCTTGGTGGTG-3'
Protein context (NP_001354797.1, residues 532-552): KDTVCSGVTS[Ala542=]VNVAKGAVQG